The following is an entry in ClinVar:

ClinVar aggregate classification (germline): Uncertain significance (1 of 4 stars; one submission).

Submission:

Labcorp Genetics (formerly Invitae), Labcorp
Classification: Uncertain significance. Last evaluated: 2024-10-25. Review status: criteria provided, single submitter. Criteria: Invitae Variant Classification Sherloc (09022015). Collection method: clinical testing. Allele origin: germline.
Comment: This sequence change replaces arginine, which is basic and polar, with proline, which is neutral and non-polar, at codon 808 of the ADCY3 protein (p.Arg808Pro). This variant is not present in population databases (gnomAD no frequency). This variant has not been reported in the literature in individuals affected with ADCY3-related conditions. An algorithm developed to predict the effect of missense changes on protein structure and function (PolyPhen-2) suggests that this variant is likely to be tolerated. In summary, the available evidence is currently insufficient to determine the role of this variant in disease. Therefore, it has been classified as a Variant of Uncertain Significance.

NM_004036.5(ADCY3):c.2423G>C (p.Arg808Pro)

Gene: ADCY3 (adenylate cyclase 3; minus strand). Cytogenetic location: 2p23.3.
Variant type: single nucleotide variant.
Coding change: c.2423G>C on transcript NM_004036.5 (MANE Select); coding-DNA position 2423, G replaced by C.
Protein change: p.Arg808Pro; replaces arginine 808 with proline.
Molecular consequence: missense variant. On other transcripts: intron variant (1).
Genome position (GRCh38, 1-based): chr2:24,827,911, C>G on the plus strand (G>C on the coding strand, the complement: ADCY3 is on the minus strand). VCF-style: chr2-24827911-C-G. GRCh37 (hg19) VCF-style: chr2-25050780-C-G.
Other names: c.2423G>C, p.Arg808Pro (NM_001320613.2, NM_001377132.1); c.2489G>C, p.Arg830Pro (NM_001377128.1); c.2285G>C, p.Arg762Pro (NM_001377129.1); c.1700G>C, p.Arg567Pro (NM_001377131.1); c.2172+2798G>C (NM_001377130.1); short protein forms R567P, R762P, R830P, R808P.
Identifiers: ClinVar variation 2764891 (VCV002764891.3), dbSNP rs560339786, ClinGen allele CA346065089.